The following is an entry in ClinVar:

NM_000264.5(PTCH1):c.1681A>G (p.Met561Val)

Gene: PTCH1 (patched 1; minus strand). Cytogenetic location: 9q22.32.
Variant type: single nucleotide variant.
Coding change: c.1681A>G on transcript NM_000264.5 (MANE Select); coding-DNA position 1681, A replaced by G.
Protein change: p.Met561Val; replaces methionine 561 with valine.
Molecular consequence: missense variant. On other transcripts: non-coding transcript variant (1).
Genome position (GRCh38, 1-based): chr9:95,476,081, T>C on the plus strand (A>G on the coding strand, the complement: PTCH1 is on the minus strand). VCF-style: chr9-95476081-T-C. GRCh37 (hg19) VCF-style: chr9-98238363-T-C.
Other names: c.1483A>G, p.Met495Val (NM_001083602.3); c.1678A>G, p.Met560Val (NM_001083603.3); c.1228A>G, p.Met410Val (NM_001083604.3, NM_001083605.3, NM_001083606.3 and 1 more transcripts); c.1525A>G, p.Met509Val (NM_001354918.2); short protein forms M410V, M495V, M561V, M509V, M560V.
Identifiers: ClinVar variation 951195 (VCV000951195.13), dbSNP rs1332335605, ClinGen allele CA374117966.

ClinVar aggregate classification (germline): Conflicting classifications of pathogenicity. Review status: criteria provided, conflicting classifications (1 of 4 stars). 2 submissions from 2 submitters: Uncertain significance (1); Benign (1). Last evaluated 2025-11-20.

Conditions:
Hereditary cancer-predisposing syndrome. Also called: Hereditary neoplastic syndrome; Tumor predisposition; Neoplastic Syndromes, Hereditary; Hereditary Cancer Syndrome. Identifiers: Orphanet 140162, MedGen C0027672, MeSH D009386, MONDO:0015356.
Gorlin syndrome. Also called: Basal cell nevus syndrome; Nevoid Basal Cell Carcinoma Syndrome. Identifiers: Orphanet 377, MedGen C0004779, MONDO:0007187.

Allele frequency attached by ClinVar (database versions not stated): gnomAD exomes below 0.00001; TOPMed 0.00001.
gnomAD v4.1: 6 of 1,613,994 alleles (0.00037%); highest among the groups gnomAD compares: East Asian, 0.0022%; no homozygotes.

Submissions (2):

Labcorp Genetics (formerly Invitae), Labcorp
Classification: Benign for Gorlin syndrome. Last evaluated: 2025-11-20. Review status: criteria provided, single submitter. Criteria: Invitae Variant Classification Sherloc (09022015). Collection method: clinical testing. Allele origin: germline.

Ambry Genetics
Classification: Uncertain significance for Hereditary cancer-predisposing syndrome. Last evaluated: 2025-01-24. Review status: criteria provided, single submitter. Criteria: Ambry Variant Classification Scheme 2023. Collection method: clinical testing. Allele origin: germline.
Comment: The p.M561V variant (also known as c.1681A>G), located in coding exon 12 of the PTCH1 gene, results from an A to G substitution at nucleotide position 1681. The methionine at codon 561 is replaced by valine, an amino acid with highly similar properties. This amino acid position is conserved. In addition, this alteration is predicted to be deleterious by in silico analysis. Since supporting evidence is limited at this time, the clinical significance of this alteration remains unclear.